The following is an entry in ClinVar:

NM_006393.3(NEBL):c.622C>G (p.Pro208Ala)

Gene: NEBL (nebulette; minus strand). Cytogenetic location: 10p12.31.
Variant type: single nucleotide variant.
Coding change: c.622C>G on transcript NM_006393.3 (MANE Select); coding-DNA position 622, C replaced by G.
Protein change: p.Pro208Ala; replaces proline 208 with alanine.
Molecular consequence: missense variant. On other transcripts: intron variant (9).
Genome position (GRCh38, 1-based): chr10:20,868,726, G>C on the plus strand (C>G on the coding strand, the complement: NEBL is on the minus strand). VCF-style: chr10-20868726-G-C. GRCh37 (hg19) VCF-style: chr10-21157655-G-C.
Other names: c.250-55786C>G (NM_001377326.1, NM_001377327.1, NM_001377328.1); c.358-55786C>G (NM_213569.2, NM_001173484.2, NM_001377322.1); c.301-55786C>G (NM_001377324.1); c.292-55786C>G (NM_001377325.1); c.310-55786C>G (NM_001377323.1); short protein forms P208A.
Identifiers: ClinVar variation 4754856 (VCV004754856.1).

ClinVar aggregate classification (germline): Uncertain significance (1 of 4 stars; one submission).

Conditions:
Primary dilated cardiomyopathy (DCM). Also called: Dilated Cardiomyopathy. Identifiers: Orphanet 217604, MedGen C0007193, MeSH D002311, MONDO:0005021, HP:0001644. Inheritance: Various modes of inheritance.

gnomAD v4.1: 2 of 1,612,436 alleles (0.00012%); highest among the groups gnomAD compares: East Asian, 0.0045%; no homozygotes.

Submission:

Labcorp Genetics (formerly Invitae), Labcorp
Classification: Uncertain significance for Primary dilated cardiomyopathy. Last evaluated: 2025-12-15. Review status: criteria provided, single submitter. Criteria: Invitae Variant Classification Sherloc (09022015). Collection method: clinical testing. Allele origin: germline.
Comment: This sequence change replaces proline, which is neutral and non-polar, with alanine, which is neutral and non-polar, at codon 208 of the NEBL protein (p.Pro208Ala). This variant is present in population databases (no rsID available, gnomAD 0.006%). This variant has not been reported in the literature in individuals affected with NEBL-related conditions. An algorithm developed to predict the effect of missense changes on protein structure and function (PolyPhen-2) suggests that this variant is likely to be tolerated. In summary, the available evidence is currently insufficient to determine the role of this variant in disease. Therefore, it has been classified as a Variant of Uncertain Significance.